The following is an entry in ClinVar:

NM_002437.5(MPV17):c.280G>A (p.Gly94Arg)

Gene: MPV17 (mitochondrial inner membrane protein MPV17; minus strand). Cytogenetic location: 2p23.3.
Variant type: single nucleotide variant.
Coding change: c.280G>A on transcript NM_002437.5 (MANE Select); coding-DNA position 280, G replaced by A.
Protein change: p.Gly94Arg; replaces glycine 94 with arginine.
Molecular consequence: missense variant.
Genome position (GRCh38, 1-based): chr2:27,312,589, C>T on the plus strand (G>A on the coding strand, the complement: MPV17 is on the minus strand). VCF-style: chr2-27312589-C-T. GRCh37 (hg19) VCF-style: chr2-27535456-C-T.
Other names: short protein forms G94R.
Identifiers: ClinVar variation 4985489 (VCV004985489.1).

ClinVar aggregate classification (germline): Likely pathogenic (1 of 4 stars; one submission).

Conditions:
MPV17-related disorder. Also called: MPV17-related disorders; MPV17-related condition. Identifiers: MedGen CN239328.

gnomAD v4.1: 4 of 1,613,868 alleles (0.00025%); highest among the groups gnomAD compares: Non-Finnish European, 0.00034%; no homozygotes.

Submission:

PreventionGenetics, part of Exact Sciences
Classification: Likely pathogenic for MPV17-related condition. Last evaluated: 2024-10-30. Review status: criteria provided, single submitter. Criteria: ACMG Guidelines, 2015. Collection method: clinical testing. Allele origin: germline.
Comment: The MPV17 c.280G>A variant is predicted to result in the amino acid substitution p.Gly94Arg. This variant is located at the first nucleotide position of exon 5 and is also predicted to interfere with splicing at the consensus splice site (SpliceAI, Jaganathan et al. 2019. PubMed ID: 30661751); however, the use of computer prediction programs is not equivalent to functional evidence. To our knowledge, this variant has not been reported in the literature or in a large population database (gnomAD), indicating this variant is rare. In vitro functional studies of p.Gly94Arg using HEK293T cells show that this amino acid change abolishes localization in the inner mitochondrial membrane (Jacinto et al. 2021. PubMed ID: 33815063). An alternate nucleotide change affecting the same genomic position (c.280G>C; p.Gly94Arg) has been reported in individuals with MPV17-related disorders (El-Hattab et al. 2010. PubMed ID: 20074988; Kim et al. 2016. PubMed ID: 27536553; Table S6, El Naofal et al. 2023. PubMed ID: 36703223). This variant is interpreted as likely pathogenic.